The following is an entry in ClinVar:

ClinVar aggregate classification (germline): Likely benign (0 of 4 stars; one submission).

Conditions:
ZNF582-related disorder. Also called: ZNF582-related condition.

Allele frequency attached by ClinVar (database versions not stated): gnomAD exomes 0.00007; 1000 Genomes Project 30x 0.00078; 1000 Genomes Project 0.00080; TOPMed 0.00081; ESP Exome Variant Server 0.00138.
gnomAD v4.1: 216 of 1,613,904 alleles (0.013%); highest among the groups gnomAD compares: African/African-American, 0.26%; 1 homozygote.

Submission:

PreventionGenetics, part of Exact Sciences
Classification: Likely benign for ZNF582-related condition. Last evaluated: 2019-06-12. Review status: no assertion criteria provided. Collection method: clinical testing. Allele origin: germline.
Comment: This variant is classified as likely benign based on ACMG/AMP sequence variant interpretation guidelines (Richards et al. 2015 PMID: 25741868, with internal and published modifications).

NM_001320371.4(ZNF582):c.1179A>G (p.Lys393=)

Genes: ZNF582 (zinc finger protein 582; minus strand), LOC126862939 (BRD4-independent group 4 enhancer GRCh37_chr19:56895030-56896229; plus strand). Cytogenetic location: 19q13.43.
Variant type: single nucleotide variant.
Coding change: c.1179A>G on transcript NM_001320371.4 (MANE Select); coding-DNA position 1179, A replaced by G.
Protein change: p.Lys393=; no amino-acid change (lysine 393 retained).
Molecular consequence: synonymous variant.
Genome position (GRCh38, 1-based): chr19:56,384,238, T>C on the plus strand (A>G on the coding strand, the complement: ZNF582 is on the minus strand). VCF-style: chr19-56384238-T-C. GRCh37 (hg19) VCF-style: chr19-56895607-T-C.
Other names: c.1179A>G, p.Lys393= (NM_144690.3).
Identifiers: ClinVar variation 3033172 (VCV003033172.2), dbSNP rs139795329, ClinGen allele CA9689206.